The following is an entry in ClinVar:

NM_001145358.2(SIN3A):c.1521C>A (p.Phe507Leu)

Gene: SIN3A (SIN3 transcription regulator family member A; minus strand). Cytogenetic location: 15q24.2.
Variant type: single nucleotide variant.
Coding change: c.1521C>A on transcript NM_001145358.2 (MANE Select); coding-DNA position 1521, C replaced by A.
Protein change: p.Phe507Leu; replaces phenylalanine 507 with leucine.
Molecular consequence: missense variant.
Genome position (GRCh38, 1-based): chr15:75,401,857, G>T on the plus strand (C>A on the coding strand, the complement: SIN3A is on the minus strand). VCF-style: chr15-75401857-G-T. GRCh37 (hg19) VCF-style: chr15-75694198-G-T.
Other names: c.1521C>A, p.Phe507Leu (NM_001145357.2, NM_015477.3); short protein forms F507L.
Identifiers: ClinVar variation 2504515 (VCV002504515.2), dbSNP rs1187605051, ClinGen allele CA393499029.
Genomic context (GRCh38, chr15:75,401,857, plus strand): 5'-AACATTACCTGGTCTCCATATCATGCATCAGGGCTAAGCCCCTCACTTCACTTACCCCAG[G>T]AAAGGAGAGACTAGTTGCACAAGCTCAGCACGAGAGATCACCTCCTGGTTAAAAATAACA-3'
Protein context (NP_001138830.1, residues 497-517): RAELVQLVSP[Phe507Leu]LGKFPELFNW

ClinVar aggregate classification (germline): Uncertain significance (1 of 4 stars; one submission).

Submission:

GeneDx
Classification: Uncertain significance. Last evaluated: 2023-07-18. Review status: criteria provided, single submitter. Criteria: GeneDx Variant Classification Process June 2021. Collection method: clinical testing. Allele origin: germline. Affected: yes.
Comment: Not observed at significant frequency in large population cohorts (gnomAD); In silico analysis supports that this missense variant has a deleterious effect on protein structure/function; Has not been previously published as pathogenic or benign to our knowledge